The following is an entry in ClinVar:

ClinVar aggregate classification (germline): Uncertain significance (1 of 4 stars; one submission).

Conditions:
Inborn genetic diseases. Identifiers: MedGen C0950123, MeSH D030342.

Submission:

Ambry Genetics
Classification: Uncertain significance for Inborn genetic diseases. Last evaluated: 2026-02-28. Review status: criteria provided, single submitter. Criteria: Ambry Variant Classification Scheme 2023. Collection method: clinical testing. Allele origin: germline.
Comment: The p.P474H variant (also known as c.1421C>A), located in coding exon 12 of the ASXL1 gene, results from a C to A substitution at nucleotide position 1421. The proline at codon 474 is replaced by histidine, an amino acid with similar properties. This amino acid position is conserved. In addition, this alteration is predicted to be tolerated by in silico analysis. Based on the available evidence, the clinical significance of this variant remains unclear.

NM_015338.6(ASXL1):c.1421C>A (p.Pro474His)

Gene: ASXL1 (ASXL transcriptional regulator 1; plus strand). Cytogenetic location: 20q11.21.
Variant type: single nucleotide variant.
Coding change: c.1421C>A on transcript NM_015338.6 (MANE Select); coding-DNA position 1421, C replaced by A.
Protein change: p.Pro474His; replaces proline 474 with histidine.
Molecular consequence: missense variant.
Genome position (GRCh38, 1-based): chr20:32,433,619, C>A. VCF-style: chr20-32433619-C-A. GRCh37 (hg19) VCF-style: chr20-31021422-C-A.
Other names: c.1238C>A, p.Pro413His (NM_001363734.1); short protein forms P413H, P474H.
Identifiers: ClinVar variation 4827393 (VCV004827393.1).